The following is an entry in ClinVar:

ClinVar aggregate classification (germline): Likely benign (0 of 4 stars; one submission).

Conditions:
PLXNA3-related disorder. Also called: PLXNA3-related condition.

Submission:

PreventionGenetics, part of Exact Sciences
Classification: Likely benign for PLXNA3-related condition. Last evaluated: 2023-10-31. Review status: no assertion criteria provided. Collection method: clinical testing. Allele origin: germline.
Comment: This variant is classified as likely benign based on ACMG/AMP sequence variant interpretation guidelines (Richards et al. 2015 PMID: 25741868, with internal and published modifications).

NM_017514.5(PLXNA3):c.2910G>C (p.Val970=)

Gene: PLXNA3 (plexin A3; plus strand). Cytogenetic location: Xq28.
Variant type: single nucleotide variant.
Coding change: c.2910G>C on transcript NM_017514.5 (MANE Select); coding-DNA position 2910, G replaced by C.
Protein change: p.Val970=; no amino-acid change (valine 970 retained).
Molecular consequence: synonymous variant.
Genome position (GRCh38, 1-based): chrX:154,466,486, G>C. VCF-style: chrX-154466486-G-C. GRCh37 (hg19) VCF-style: chrX-153694829-G-C.
Identifiers: ClinVar variation 3349936 (VCV003349936.1).